The following is an entry in ClinVar:

ClinVar aggregate classification (germline): Uncertain significance (1 of 4 stars; one submission).

Conditions:
Pyruvate dehydrogenase E1-beta deficiency (PDHBD). Identifiers: Orphanet 255138, Orphanet 765, MedGen C3279841, MONDO:0013580, OMIM 614111.

Submission:

Labcorp Genetics (formerly Invitae), Labcorp
Classification: Uncertain significance for Pyruvate dehydrogenase E1-beta deficiency. Last evaluated: 2022-03-04. Review status: criteria provided, single submitter. Criteria: Invitae Variant Classification Sherloc (09022015). Collection method: clinical testing. Allele origin: germline.
Comment: This sequence change replaces serine, which is neutral and polar, with proline, which is neutral and non-polar, at codon 241 of the PDHB protein (p.Ser241Pro). This variant is not present in population databases (gnomAD no frequency). This variant has not been reported in the literature in individuals affected with PDHB-related conditions. Algorithms developed to predict the effect of missense changes on protein structure and function are either unavailable or do not agree on the potential impact of this missense change (SIFT: "Deleterious"; PolyPhen-2: "Possibly Damaging"; Align-GVGD: "Class C0"). In summary, the available evidence is currently insufficient to determine the role of this variant in disease. Therefore, it has been classified as a Variant of Uncertain Significance.

NM_000925.4(PDHB):c.721T>C (p.Ser241Pro)

Gene: PDHB (pyruvate dehydrogenase E1 subunit beta; minus strand). Cytogenetic location: 3p14.3.
Variant type: single nucleotide variant.
Coding change: c.721T>C on transcript NM_000925.4 (MANE Select); coding-DNA position 721, T replaced by C.
Protein change: p.Ser241Pro; replaces serine 241 with proline.
Molecular consequence: missense variant. On other transcripts: non-coding transcript variant (1).
Genome position (GRCh38, 1-based): chr3:58,429,779, A>G on the plus strand (T>C on the coding strand, the complement: PDHB is on the minus strand). VCF-style: chr3-58429779-A-G. GRCh37 (hg19) VCF-style: chr3-58415506-A-G.
Other names: c.667T>C, p.Ser223Pro (NM_001315536.2, NM_001173468.2); short protein forms S241P, S223P.
Identifiers: ClinVar variation 1920061 (VCV001920061.5), dbSNP rs2471365694, ClinGen allele CA353359119.